The following is an entry in ClinVar:

ClinVar aggregate classification (germline): Uncertain significance (1 of 4 stars; one submission).

Submission:

GeneDx
Classification: Uncertain significance. Last evaluated: 2024-09-05. Review status: criteria provided, single submitter. Criteria: GeneDx Variant Classification Process June 2021. Collection method: clinical testing. Allele origin: germline. Affected: yes.
Comment: Not observed at significant frequency in large population cohorts (gnomAD); In silico analysis indicates that this missense variant does not alter protein structure/function; Has not been previously published as pathogenic or benign to our knowledge

NM_001492.6(GDF1):c.721G>A (p.Asp241Asn)

Genes: CERS1 (ceramide synthase 1; minus strand), GDF1 (growth differentiation factor 1; minus strand). Cytogenetic location: 19p13.11.
Variant type: single nucleotide variant.
Coding change: c.721G>A on transcript NM_001492.6 (MANE Select); coding-DNA position 721, G replaced by A.
Protein change: p.Asp241Asn; replaces aspartic acid 241 with asparagine.
Molecular consequence: missense variant. On other transcripts: 3 prime UTR variant (2).
Genome position (GRCh38, 1-based): chr19:18,868,995, C>T on the plus strand (G>A on the coding strand, the complement: GDF1 is on the minus strand). VCF-style: chr19-18868995-C-T. GRCh37 (hg19) VCF-style: chr19-18979804-C-T.
Other names: c.*1582G>A (NM_001387440.1); c.*990G>A (NM_021267.5); c.721G>A, p.Asp241Asn (NM_001387438.1); short protein forms D241N.
Identifiers: ClinVar variation 3767415 (VCV003767415.1).